The following is an entry in ClinVar:

NM_001375524.1(TRRAP):c.3625A>G (p.Thr1209Ala)

Gene: TRRAP (transformation/transcription domain associated protein; plus strand). Cytogenetic location: 7q22.1.
Variant type: single nucleotide variant.
Coding change: c.3625A>G on transcript NM_001375524.1 (MANE Select); coding-DNA position 3625, A replaced by G.
Protein change: p.Thr1209Ala; replaces threonine 1209 with alanine.
Molecular consequence: missense variant.
Genome position (GRCh38, 1-based): chr7:98,931,438, A>G. VCF-style: chr7-98931438-A-G. GRCh37 (hg19) VCF-style: chr7-98529061-A-G.
Other names: c.3625A>G, p.Thr1209Ala (NM_001244580.2, NM_003496.4); short protein forms T1209A.
Identifiers: ClinVar variation 2865019 (VCV002865019.3), dbSNP rs2484782705, ClinGen allele CA368301296.

ClinVar aggregate classification (germline): Uncertain significance (1 of 4 stars; one submission).

gnomAD v4.1: 1 of 1,614,140 alleles (0.000062%); no homozygotes.

Submission:

Labcorp Genetics (formerly Invitae), Labcorp
Classification: Uncertain significance. Last evaluated: 2023-11-04. Review status: criteria provided, single submitter. Criteria: Invitae Variant Classification Sherloc (09022015). Collection method: clinical testing. Allele origin: germline.
Comment: This sequence change replaces threonine, which is neutral and polar, with alanine, which is neutral and non-polar, at codon 1209 of the TRRAP protein (p.Thr1209Ala). This variant is not present in population databases (gnomAD no frequency). This variant has not been reported in the literature in individuals affected with TRRAP-related conditions. Advanced modeling of protein sequence and biophysical properties (such as structural, functional, and spatial information, amino acid conservation, physicochemical variation, residue mobility, and thermodynamic stability) performed at Invitae indicates that this missense variant is not expected to disrupt TRRAP protein function with a negative predictive value of 80%. In summary, the available evidence is currently insufficient to determine the role of this variant in disease. Therefore, it has been classified as a Variant of Uncertain Significance.